The following is an entry in ClinVar:

NM_182746.3(MCM4):c.791A>G (p.Asn264Ser)

Gene: MCM4 (minichromosome maintenance complex component 4; plus strand). Cytogenetic location: 8q11.21.
Variant type: single nucleotide variant.
Coding change: c.791A>G on transcript NM_182746.3 (MANE Select); coding-DNA position 791, A replaced by G.
Protein change: p.Asn264Ser; replaces asparagine 264 with serine.
Molecular consequence: missense variant.
Genome position (GRCh38, 1-based): chr8:47,964,671, A>G. VCF-style: chr8-47964671-A-G. GRCh37 (hg19) VCF-style: chr8-48877231-A-G.
Other names: c.791A>G, p.Asn264Ser (NM_005914.4); short protein forms N264S.
Identifiers: ClinVar variation 2207483 (VCV002207483.3), dbSNP rs1250163087, ClinGen allele CA371147997.

ClinVar aggregate classification (germline): Uncertain significance. Review status: criteria provided, multiple submitters, no conflicts (2 of 4 stars). 2 submissions from 2 submitters: Uncertain significance (2). Last evaluated 2025-08-25.

Allele frequency attached by ClinVar (database versions not stated): gnomAD exomes below 0.00001; TOPMed 0.00001.
gnomAD v4.1: 5 of 1,601,362 alleles (0.00031%); highest among the groups gnomAD compares: East Asian, 0.0023%; no homozygotes.

Submissions (2):

Labcorp Genetics (formerly Invitae), Labcorp
Classification: Uncertain significance. Last evaluated: 2025-08-25. Review status: criteria provided, single submitter. Criteria: Invitae Variant Classification Sherloc (09022015). Collection method: clinical testing. Allele origin: germline.
Comment: This sequence change replaces asparagine, which is neutral and polar, with serine, which is neutral and polar, at codon 264 of the MCM4 protein (p.Asn264Ser). This variant is not present in population databases (gnomAD no frequency). This variant has not been reported in the literature in individuals affected with MCM4-related conditions. ClinVar contains an entry for this variant (Variation ID: 2207483). Invitae Evidence Modeling of protein sequence and biophysical properties (such as structural, functional, and spatial information, amino acid conservation, physicochemical variation, residue mobility, and thermodynamic stability) indicates that this missense variant is not expected to disrupt MCM4 protein function with a negative predictive value of 80%. In summary, the available evidence is currently insufficient to determine the role of this variant in disease. Therefore, it has been classified as a Variant of Uncertain Significance.

Ambry Genetics
Classification: Uncertain significance. Last evaluated: 2021-10-06. Review status: criteria provided, single submitter. Criteria: Ambry Variant Classification Scheme 2023. Collection method: clinical testing. Allele origin: germline.